The following is an entry in ClinVar:

NM_152296.5(ATP1A3):c.2896G>A (p.Val966Met)

Gene: ATP1A3 (ATPase Na+/K+ transporting subunit alpha 3; minus strand). Cytogenetic location: 19q13.2.
Variant type: single nucleotide variant.
Coding change: c.2896G>A on transcript NM_152296.5 (MANE Select); coding-DNA position 2896, G replaced by A.
Protein change: p.Val966Met; replaces valine 966 with methionine.
Molecular consequence: missense variant.
Genome position (GRCh38, 1-based): chr19:41,967,687, C>T on the plus strand (G>A on the coding strand, the complement: ATP1A3 is on the minus strand). VCF-style: chr19-41967687-C-T. GRCh37 (hg19) VCF-style: chr19-42471839-C-T.
Other names: c.2929G>A, p.Val977Met (NM_001256213.2); c.2935G>A, p.Val979Met (NM_001256214.2); short protein forms V966M, V977M, V979M.
Identifiers: ClinVar variation 387427 (VCV000387427.6), dbSNP rs782665893, ClinGen allele CA9467264.

ClinVar aggregate classification (germline): Uncertain significance. Review status: criteria provided, multiple submitters, no conflicts (2 of 4 stars). 2 submissions from 2 submitters: Uncertain significance (2). Last evaluated 2023-02-10.

Conditions:
Dystonia 12 (DYT12). Also called: DYT-ATP1A3; Rapid-Onset Dystonia-Parkinsonism (RDP). Identifiers: Orphanet 71517, MedGen C1868681, MONDO:0007496, OMIM 128235.

Allele frequency attached by ClinVar (database versions not stated): TOPMed below 0.00001; gnomAD exomes 0.00001; ExAC 0.00002; gnomAD 0.00002.
gnomAD v4.1: 9 of 1,613,886 alleles (0.00056%); highest among the groups gnomAD compares: East Asian, 0.0045%; no homozygotes.

Submissions (2):

Labcorp Genetics (formerly Invitae), Labcorp
Classification: Uncertain significance for Dystonia 12. Last evaluated: 2023-02-10. Review status: criteria provided, single submitter. Criteria: Invitae Variant Classification Sherloc (09022015). Collection method: clinical testing. Allele origin: germline.
Comment: This variant is present in population databases (rs782665893, gnomAD 0.005%). This variant has not been reported in the literature in individuals affected with ATP1A3-related conditions. ClinVar contains an entry for this variant (Variation ID: 387427). Algorithms developed to predict the effect of missense changes on protein structure and function (SIFT, PolyPhen-2, Align-GVGD) all suggest that this variant is likely to be tolerated. In summary, the available evidence is currently insufficient to determine the role of this variant in disease. Therefore, it has been classified as a Variant of Uncertain Significance. This sequence change replaces valine, which is neutral and non-polar, with methionine, which is neutral and non-polar, at codon 966 of the ATP1A3 protein (p.Val966Met).

GeneDx
Classification: Uncertain significance. Last evaluated: 2016-06-27. Review status: criteria provided, single submitter. Criteria: GeneDx Variant Classification (06012015). Collection method: clinical testing. Allele origin: germline. Affected: yes.
Comment: The V966M variant in the ATP1A3 gene has not been reported previously as a pathogenic variant, nor as a benign variant, to our knowledge. The V966M variant was not observed in approximately 6,500 individuals of European and African American ancestry in the NHLBI Exome Sequencing Project, indicating it is not a common benign variant in these populations. The V966M variant is a conservative amino acid substitution, which is not likely to impact secondary protein structure as these residues share similar properties. This substitution occurs at a position that is conserved across species. In silico analysis is inconsistent in its predictions as to whether or not the variant is damaging to the protein structure/function. We interpret V966M as a variant of uncertain significance.